The following is an entry in ClinVar:

ClinVar aggregate classification (germline): Likely benign. Review status: criteria provided, multiple submitters, no conflicts (2 of 4 stars). 6 submissions from 6 submitters: Likely benign (6). Last evaluated 2026-01-05.

Conditions:
Hereditary cancer-predisposing syndrome. Also called: Tumor predisposition; Hereditary Cancer Syndrome; Neoplastic Syndromes, Hereditary; Hereditary neoplastic syndrome. Identifiers: Orphanet 140162, MedGen C0027672, MeSH D009386, MONDO:0015356.
POLD1-related polyposis and colorectal cancer syndrome (CRCS10). Also called: Colorectal cancer 10; COLORECTAL CANCER, SUSCEPTIBILITY TO, ON CHROMOSOME 19q; Colorectal cancer, susceptibility to, 10. Identifiers: Orphanet 220460, MedGen C2675481, MONDO:0012953, OMIM 612591.

Allele frequency attached by ClinVar (database versions not stated): gnomAD 0.00005 and 0.00006; TOPMed 0.00005; gnomAD exomes 0.00006; ExAC 0.00011.
gnomAD v4.1: 76 of 1,541,136 alleles (0.0049%); highest among the groups gnomAD compares: Non-Finnish European, 0.0062%; no homozygotes.

Submissions (6):

Labcorp Genetics (formerly Invitae), Labcorp
Classification: Likely benign for POLD1-related polyposis and colorectal cancer syndrome. Last evaluated: 2026-01-05. Review status: criteria provided, single submitter. Criteria: Invitae Variant Classification Sherloc (09022015). Collection method: clinical testing. Allele origin: germline.

Blueprint Genetics
Classification: Likely benign. Last evaluated: 2023-09-15. Review status: criteria provided, single submitter. Criteria: ACMG Guidelines, 2015. Collection method: clinical testing. Allele origin: germline.

CeGaT Center for Human Genetics Tuebingen
Classification: Likely benign. Last evaluated: 2022-10-01. Review status: criteria provided, single submitter. Criteria: CeGaT Center For Human Genetics Tuebingen Variant Classification Criteria Version 2. Collection method: clinical testing. Allele origin: germline. Affected: yes. Observed: 1 variant allele.
Comment: POLD1: BP4, BP7

GeneDx
Classification: Likely benign. Last evaluated: 2018-05-04. Review status: criteria provided, single submitter. Criteria: GeneDx Variant Classification Process June 2021. Collection method: clinical testing. Allele origin: germline. Affected: yes.
Comment: This variant is associated with the following publications: (PMID: 21720365)

PreventionGenetics, part of Exact Sciences
Classification: Likely benign. Last evaluated: 2017-06-14. Review status: criteria provided, single submitter. Criteria: ACMG Guidelines, 2015. Collection method: clinical testing. Allele origin: germline.

Ambry Genetics
Classification: Likely benign for Hereditary cancer-predisposing syndrome. Last evaluated: 2015-07-18. Review status: criteria provided, single submitter. Criteria: Ambry Variant Classification Scheme 2023. Collection method: clinical testing. Allele origin: germline.

NM_002691.4(POLD1):c.2802C>T (p.Ala934=)

Gene: POLD1 (DNA polymerase delta 1, catalytic subunit; plus strand). Cytogenetic location: 19q13.33.
Variant type: single nucleotide variant.
Coding change: c.2802C>T on transcript NM_002691.4 (MANE Select); coding-DNA position 2802, C replaced by T.
Protein change: p.Ala934=; no amino-acid change (alanine 934 retained).
Molecular consequence: synonymous variant.
Genome position (GRCh38, 1-based): chr19:50,415,808, C>T. VCF-style: chr19-50415808-C-T. GRCh37 (hg19) VCF-style: chr19-50919065-C-T.
Other names: c.2880C>T, p.Ala960= (LRG_785t2, NM_001308632.1); c.2802C>T, p.Ala934= (LRG_785t1, NM_001256849.1).
Identifiers: ClinVar variation 239311 (VCV000239311.55), dbSNP rs762628311, ClinGen allele CA9596661.